The following is an entry in ClinVar:

ClinVar aggregate classification (germline): Uncertain significance. Review status: criteria provided, multiple submitters, no conflicts (2 of 4 stars). 4 submissions from 4 submitters: Uncertain significance (3). 1 of the submissions does not count toward it. Last evaluated 2024-10-25.

Conditions:
Hereditary cancer-predisposing syndrome. Also called: Tumor predisposition; Neoplastic Syndromes, Hereditary; Hereditary neoplastic syndrome; Hereditary Cancer Syndrome. Identifiers: Orphanet 140162, MedGen C0027672, MeSH D009386, MONDO:0015356.
Hereditary breast ovarian cancer syndrome. Also called: Hereditary breast and ovarian cancer; Hereditary breast and ovarian cancer syndrome (HBOC); Hereditary breast and/or ovarian cancer syndrome; Breast and ovarian cancer; Hereditary breast and ovarian cancer syndrome; BRCA1- and BRCA2-Associated Hereditary Breast and Ovarian Cancer. Identifiers: Orphanet 145, MedGen C0677776, MeSH D061325, MONDO:0003582. Disease mechanism: loss of function.
Breast-ovarian cancer, familial, susceptibility to, 2 (BROVCA2). Also called: BRCA2 Hereditary Breast and Ovarian Cancer. Identifiers: Orphanet 145, MedGen C2675520, MONDO:0012933, OMIM 612555. Disease mechanism: loss of function.

Allele frequency attached by ClinVar (database versions not stated): gnomAD exomes below 0.00001; ExAC 0.00001.
gnomAD v4.1: 1 of 1,611,054 alleles (0.000062%); highest among the groups gnomAD compares: Non-Finnish European, 0.000085%; no homozygotes.

Submissions (4):

Ambry Genetics
Classification: Uncertain significance for Hereditary cancer-predisposing syndrome. Last evaluated: 2024-10-25. Review status: criteria provided, single submitter. Criteria: Ambry Variant Classification Scheme 2023. Collection method: clinical testing. Allele origin: germline.
Comment: The p.Y3225H variant (also known as c.9673T>C), located in coding exon 26 of the BRCA2 gene, results from a T to C substitution at nucleotide position 9673. The tyrosine at codon 3225 is replaced by histidine, an amino acid with similar properties. This amino acid position is conserved. In addition, this alteration is predicted to be tolerated by in silico analysis. Based on the available evidence, the clinical significance of this variant remains unclear.

GeneDx
Classification: Uncertain significance. Last evaluated: 2022-08-11. Review status: criteria provided, single submitter. Criteria: GeneDx Variant Classification Process June 2021. Collection method: clinical testing. Allele origin: germline. Affected: yes.
Comment: Not observed at significant frequency in large population cohorts (gnomAD); In silico analysis supports that this missense variant does not alter protein structure/function; Has not been previously published as pathogenic or benign to our knowledge; Also known as 9901T>C; This variant is associated with the following publications: (PMID: 32377563, 29884841)

Labcorp Genetics (formerly Invitae), Labcorp
Classification: Uncertain significance for Hereditary breast ovarian cancer syndrome. Last evaluated: 2022-04-11. Review status: criteria provided, single submitter. Criteria: Invitae Variant Classification Sherloc (09022015). Collection method: clinical testing. Allele origin: germline.
Comment: This variant has not been reported in the literature in individuals affected with BRCA2-related conditions. ClinVar contains an entry for this variant (Variation ID: 38259). Advanced modeling of protein sequence and biophysical properties (such as structural, functional, and spatial information, amino acid conservation, physicochemical variation, residue mobility, and thermodynamic stability) performed at Invitae indicates that this missense variant is not expected to disrupt BRCA2 protein function. In summary, the available evidence is currently insufficient to determine the role of this variant in disease. Therefore, it has been classified as a Variant of Uncertain Significance. This variant is present in population databases (rs397507434, gnomAD 0.006%). This sequence change replaces tyrosine, which is neutral and polar, with histidine, which is basic and polar, at codon 3225 of the BRCA2 protein (p.Tyr3225His).

Sharing Clinical Reports Project (SCRP)
Classification: Uncertain significance for Breast-ovarian cancer, familial 2. Last evaluated: 2010-07-28. Review status: no assertion criteria provided. Collection method: clinical testing. Allele origin: germline. Not counted in ClinVar's aggregate classification.

NM_000059.4(BRCA2):c.9673T>C (p.Tyr3225His)

Gene: BRCA2 (BRCA2 DNA repair associated; plus strand). Cytogenetic location: 13q13.1.
Variant type: single nucleotide variant.
Coding change: c.9673T>C on transcript NM_000059.4 (MANE Select); coding-DNA position 9673, T replaced by C.
Protein change: p.Tyr3225His; replaces tyrosine 3225 with histidine.
Molecular consequence: missense variant.
Genome position (GRCh38, 1-based): chr13:32,398,186, T>C. VCF-style: chr13-32398186-T-C. GRCh37 (hg19) VCF-style: chr13-32972323-T-C.
Other names: Y3225H; 9901T>C.
Identifiers: ClinVar variation 38259 (VCV000038259.15), dbSNP rs397507434, ClinGen allele CA026264.